The following is an entry in ClinVar:

ClinVar aggregate classification (germline): Uncertain significance. Review status: criteria provided, multiple submitters, no conflicts (2 of 4 stars). 2 submissions from 2 submitters: Uncertain significance (2). Last evaluated 2022-01-26.

Conditions:
Inborn genetic diseases. Identifiers: MedGen C0950123, MeSH D030342.
Charcot-Marie-Tooth disease dominant intermediate C (CMTDIC). Also called: CHARCOT-MARIE-TOOTH NEUROPATHY, DOMINANT INTERMEDIATE C. Identifiers: Orphanet 100045, MedGen C1842237, MONDO:0012012, OMIM 608323.

Allele frequency attached by ClinVar (database versions not stated): gnomAD exomes below 0.00001; ExAC 0.00001.
gnomAD v4.1: 2 of 1,614,136 alleles (0.00012%); highest among the groups gnomAD compares: Non-Finnish European, 0.00017%; no homozygotes.

Submissions (2):

Ambry Genetics
Classification: Uncertain significance for Inborn genetic diseases. Last evaluated: 2022-01-26. Review status: criteria provided, single submitter. Criteria: Ambry Variant Classification Scheme 2023. Collection method: clinical testing. Allele origin: germline.

Labcorp Genetics (formerly Invitae), Labcorp
Classification: Uncertain significance for Charcot-Marie-Tooth disease dominant intermediate C. Last evaluated: 2019-05-07. Review status: criteria provided, single submitter. Criteria: Invitae Variant Classification Sherloc (09022015). Collection method: clinical testing. Allele origin: germline.
Comment: In summary, the available evidence is currently insufficient to determine the role of this variant in disease. Therefore, it has been classified as a Variant of Uncertain Significance. Algorithms developed to predict the effect of missense changes on protein structure and function (SIFT, PolyPhen-2, Align-GVGD) all suggest that this variant is likely to be tolerated, but these predictions have not been confirmed by published functional studies and their clinical significance is uncertain. This variant has not been reported in the literature in individuals with YARS-related conditions. This variant is present in population databases (rs770972459, ExAC 0.001%). This sequence change replaces glutamic acid with glycine at codon 473 of the YARS protein (p.Glu473Gly). The glutamic acid residue is moderately conserved and there is a moderate physicochemical difference between glutamic acid and glycine.

NM_003680.4(YARS1):c.1418A>G (p.Glu473Gly)

Gene: YARS1 (tyrosyl-tRNA synthetase 1; minus strand). Cytogenetic location: 1p35.1.
Variant type: single nucleotide variant.
Coding change: c.1418A>G on transcript NM_003680.4 (MANE Select); coding-DNA position 1418, A replaced by G.
Protein change: p.Glu473Gly; replaces glutamic acid 473 with glycine.
Molecular consequence: missense variant.
Genome position (GRCh38, 1-based): chr1:32,779,440, T>C on the plus strand (A>G on the coding strand, the complement: YARS1 is on the minus strand). VCF-style: chr1-32779440-T-C. GRCh37 (hg19) VCF-style: chr1-33245041-T-C.
Other names: short protein forms E473G.
Identifiers: ClinVar variation 843281 (VCV000843281.10), dbSNP rs770972459, ClinGen allele CA744898.
Genomic context (GRCh38, chr1:32,779,440, plus strand): 5'-ACCTGCAACTTCTCGAAGACTTTCTTCTTGGGCTTGAGCTCCTCATCTGGTTGGCCCTTT[T>C]CATAGCCCTTCACAAACACGTGCTCACCAGGAGCAGAGCCTGCCGGAGGGTCCAGAGGTT-3'
Protein context (NP_003671.1, residues 463-483): PGEHVFVKGY[Glu473Gly]KGQPDEELKP